The following is an entry in ClinVar:

ClinVar aggregate classification (germline): Uncertain significance (1 of 4 stars; one submission).

Conditions:
Immunodeficiency 104. Also called: SCID, AUTOSOMAL RECESSIVE, T CELL-NEGATIVE, B CELL-POSITIVE, NK CELL-POSITIVE; IMMUNODEFICIENCY 104, SEVERE COMBINED; Severe combined immunodeficiency, autosomal recessive, T cell-negative, B cell-positive, NK cell-positive; Severe Combined Immune Deficiency, Autosomal Recessive, TCell -Negative, B Cell-Positive, NK Cell-Positive, IL7R-Related. Identifiers: MedGen C5676890, MONDO:0012163, OMIM 608971.

Submission:

Labcorp Genetics (formerly Invitae), Labcorp
Classification: Uncertain significance for Immunodeficiency 104. Last evaluated: 2024-07-15. Review status: criteria provided, single submitter. Criteria: Invitae Variant Classification Sherloc (09022015). Collection method: clinical testing. Allele origin: germline.
Comment: This sequence change falls in intron 6 of the IL7R gene. It does not directly change the encoded amino acid sequence of the IL7R protein. It affects a nucleotide within the consensus splice site. This variant is not present in population databases (gnomAD no frequency). This variant has not been reported in the literature in individuals affected with IL7R-related conditions. ClinVar contains an entry for this variant (Variation ID: 2001194). Variants that disrupt the consensus splice site are a relatively common cause of aberrant splicing (PMID: 17576681, 9536098). Algorithms developed to predict the effect of sequence changes on RNA splicing suggest that this variant is not likely to affect RNA splicing. In summary, the available evidence is currently insufficient to determine the role of this variant in disease. Therefore, it has been classified as a Variant of Uncertain Significance.

Literature cited by the submitters: PubMed 17576681; PubMed 9536098.

NM_002185.5(IL7R):c.800+5C>A

Gene: IL7R (interleukin 7 receptor; plus strand). Cytogenetic location: 5p13.2.
Variant type: single nucleotide variant.
Coding change: c.800+5C>A on transcript NM_002185.5 (MANE Select); 5 bases into the intron after coding-DNA position 800, C replaced by A.
Molecular consequence: intron variant.
Genome position (GRCh38, 1-based): chr5:35,874,547, C>A. VCF-style: chr5-35874547-C-A. GRCh37 (hg19) VCF-style: chr5-35874649-C-A.
Identifiers: ClinVar variation 2001194 (VCV002001194.3), dbSNP rs1760158849, ClinGen allele CA1539054236.